The following is an entry in ClinVar:

ClinVar aggregate classification (germline): Conflicting classifications of pathogenicity. Review status: criteria provided, conflicting classifications (1 of 4 stars). 3 submissions from 3 submitters: Likely pathogenic (1); Uncertain significance (1). 1 of the submissions does not count toward it. Last evaluated 2026-04-28.

Conditions:
STRA6-related disorder. Also called: STRA6-related condition.
Microphthalmia, syndromic 9. Also called: Matthew-Wood syndrome; PULMONARY AGENESIS, MICROPHTHALMIA, AND DIAPHRAGMATIC DEFECT; SPEAR SYNDROME; ANOPHTHALMIA, CLINICAL, WITH MILD FACIAL DYSMORPHISM AND VARIABLE MALFORMATIONS OF THE LUNG, HEART, AND DIAPHRAGM; ANOPHTHALMIA/MICROPHTHALMIA AND PULMONARY HYPOPLASIA. Identifiers: Orphanet 2470, MedGen C1832661, MONDO:0011010, OMIM 601186.

Allele frequency attached by ClinVar (database versions not stated): ExAC 0.00002; gnomAD 0.00002 and 0.00001; TOPMed 0.00005.
gnomAD v4.1: 23 of 1,613,558 alleles (0.0014%); highest among the groups gnomAD compares: Non-Finnish European, 0.0016%; no homozygotes.

Submissions (3):

Women's Health and Genetics/Laboratory Corporation of America, LabCorp
Classification: Uncertain significance. Last evaluated: 2026-04-28. Review status: criteria provided, single submitter. Criteria: LabCorp Variant Classification Summary - May 2015. Collection method: clinical testing. Allele origin: germline.
Comment: Variant summary: STRA6 c.1964G>A (p.Arg655His) results in a non-conservative amino acid change in the encoded protein sequence. Algorithms developed to predict the effect of missense changes on protein structure and function all suggest that this variant is likely to be disruptive. The variant allele was found at a frequency of 1.2e-05 in 251222 control chromosomes. c.1964G>A has been observed in the compound heterozygous state in individuals affected with bilateral anophthalmia (Segel_2009, Patel_2019, Chiang_2022). These data indicate that the variant may be associated with disease. To our knowledge, no experimental evidence demonstrating an impact on protein function has been reported. The following publications have been ascertained in the context of this evaluation (PMID: 35181035, 30653986, 19839040). ClinVar contains an entry for this variant (Variation ID: 40079). Based on the evidence outlined above, the variant was classified as VUS-possibly pathogenic.

GeneDx
Classification: Likely pathogenic. Last evaluated: 2015-12-08. Review status: criteria provided, single submitter. Criteria: GeneDx Variant Classification (06012015). Collection method: clinical testing. Allele origin: germline. Affected: yes.
Comment: The R655H variant in the STRA6 gene has been reported previously in the compound heterozygous state, opposite of a second STRA6 missense variant, in an individual with PDAC syndrome, characterized by bilateral colobomatous microphthalmia, patent ductus arteriosus, broad, bushy eyebrows, broad nasal bridge, retrognathia, large ears with otherwise normal development (Segel et al., 2009). The R655H variant was not observed in approximately 6500 individuals of European and African American ancestry in the NHLBI Exome Sequencing Project, indicating it is not a common benign variant in these populations. The R655H variant is a conservative amino acid substitution, which is not likely to impact secondary protein structure as these residues share similar properties. This substitution occurs at a position that is conserved across species. In silico analysis predicts this variant is probably damaging to the protein structure/function. A different, but same codon variant (R655C) has been reported in the Human Gene Mutation Database in association with an STRA6-related disorder (Stenson et al., 2014), supporting the functional importance of this region of the protein. Therefore, we interpret the R655H variant as a strong candidate for a pathogenic variant, however the possibility it may be a rare benign variant cannot be excluded.

OMIM
Classification: Pathogenic for MICROPHTHALMIA, SYNDROMIC 9. Last evaluated: 2009-11-01. Review status: no assertion criteria provided. Collection method: literature only. Allele origin: germline. Not counted in ClinVar's aggregate classification.

Literature cited by the submitters: PubMed 30653986 (cited by Women's Health and Genetics/Laboratory Corporation of America, LabCorp); PubMed 35181035 (cited by Women's Health and Genetics/Laboratory Corporation of America, LabCorp); PubMed 19839040 (cited by Women's Health and Genetics/Laboratory Corporation of America, LabCorp and OMIM).

NM_022369.4(STRA6):c.1964G>A (p.Arg655His)

Gene: STRA6 (signaling receptor and transporter of retinol STRA6; minus strand). Cytogenetic location: 15q24.1.
Variant type: single nucleotide variant.
Coding change: c.1964G>A on transcript NM_022369.4 (MANE Select); coding-DNA position 1964, G replaced by A.
Protein change: p.Arg655His; replaces arginine 655 with histidine.
Molecular consequence: missense variant.
Genome position (GRCh38, 1-based): chr15:74,180,120, C>T on the plus strand (G>A on the coding strand, the complement: STRA6 is on the minus strand). VCF-style: chr15-74180120-C-T. GRCh37 (hg19) VCF-style: chr15-74472461-C-T.
Other names: c.1964G>A, p.Arg655His (NM_001142617.2, NM_001142618.2); c.1937G>A, p.Arg646His (NM_001142619.2); c.2075G>A, p.Arg692His (NM_001199040.2); c.2009G>A, p.Arg670His (NM_001199041.2); c.2081G>A, p.Arg694His (NM_001199042.2); short protein forms R655H, R670H, R646H, R692H, R694H.
Identifiers: ClinVar variation 40079 (VCV000040079.4), dbSNP rs397514639, ClinGen allele CA130738.